The following is an entry in ClinVar:

ClinVar aggregate classification (germline): Uncertain significance (1 of 4 stars; one submission).

Allele frequency attached by ClinVar (database versions not stated): TOPMed below 0.00001.
gnomAD v4.1: 22 of 1,567,278 alleles (0.0014%); highest among the groups gnomAD compares: East Asian, 0.007%; no homozygotes.

Submission:

GeneDx
Classification: Uncertain significance. Last evaluated: 2017-05-05. Review status: criteria provided, single submitter. Criteria: GeneDx Variant Classification (06012015). Collection method: clinical testing. Allele origin: germline. Affected: yes.
Comment: The P295L variant in the CTNND2 gene has not been reported previously as a pathogenic variant, nor as a benign variant, to our knowledge. The P295L variant is not observed in large population cohorts (Lek et al., 2016; 1000 Genomes Consortium et al., 2015; Exome Variant Server). The P295L variant is a semi-conservative amino acid substitution, which may impact secondary protein structure as these residues differ in some properties. This substitution occurs at a position that is not conserved. In silico analysis is inconsistent in its predictions as to whether or not the variant is damaging to the protein structure/function. We interpret P295L as a variant of uncertain significance.

NM_001332.4(CTNND2):c.884C>T (p.Pro295Leu)

Gene: CTNND2 (catenin delta 2; minus strand). Cytogenetic location: 5p15.2.
Variant type: single nucleotide variant.
Coding change: c.884C>T on transcript NM_001332.4 (MANE Select); coding-DNA position 884, C replaced by T.
Protein change: p.Pro295Leu; replaces proline 295 with leucine.
Molecular consequence: missense variant. On other transcripts: intron variant (3).
Genome position (GRCh38, 1-based): chr5:11,384,958, G>A on the plus strand (C>T on the coding strand, the complement: CTNND2 is on the minus strand). VCF-style: chr5-11384958-G-A. GRCh37 (hg19) VCF-style: chr5-11385070-G-A.
Other names: c.611C>T, p.Pro204Leu (NM_001288715.1); c.-123+12073C>T (NM_001288717.2); c.167-20068C>T (NM_001364128.2, NM_001288716.1); short protein forms P295L, P204L.
Identifiers: ClinVar variation 429386 (VCV000429386.2), dbSNP rs1131691357, ClinGen allele CA359281540.